The following is an entry in ClinVar:

NM_015001.3(SPEN):c.9017G>C (p.Ser3006Thr)

Gene: SPEN (spen family transcriptional repressor; plus strand). Cytogenetic location: 1p36.13.
Variant type: single nucleotide variant.
Coding change: c.9017G>C on transcript NM_015001.3 (MANE Select); coding-DNA position 9017, G replaced by C.
Protein change: p.Ser3006Thr; replaces serine 3006 with threonine.
Molecular consequence: missense variant.
Genome position (GRCh38, 1-based): chr1:15,935,257, G>C. VCF-style: chr1-15935257-G-C. GRCh37 (hg19) VCF-style: chr1-16261752-G-C.
Other names: short protein forms S3006T.
Identifiers: ClinVar variation 2638342 (VCV002638342.24), dbSNP rs2523094360, ClinGen allele CA338651991.
Genomic context (GRCh38, chr1:15,935,257, plus strand): 5'-ACCCTCCTGCTCTGCCCAGCAAACTGCCTACAGAAGTCAACCATGTCCCCTCGGGGCCCA[G>C]CATCCCAGCAGATCGAACTGTCTCCCATTTGGCAGCTGCAAAGCTAGATGCTCATTCTCC-3'
Protein context (NP_055816.2, residues 2996-3016): TEVNHVPSGP[Ser3006Thr]IPADRTVSHL

ClinVar aggregate classification (germline): Uncertain significance (1 of 4 stars; one submission).

Allele frequency attached by ClinVar (database versions not stated): gnomAD exomes below 0.00001.
gnomAD v4.1: 1 of 1,614,108 alleles (0.000062%); highest among the groups gnomAD compares: Non-Finnish European, 0.000085%; no homozygotes.

Submission:

CeGaT Center for Human Genetics Tuebingen
Classification: Uncertain significance. Last evaluated: 2023-09-01. Review status: criteria provided, single submitter. Criteria: CeGaT Center For Human Genetics Tuebingen Variant Classification Criteria Version 2. Collection method: clinical testing. Allele origin: germline. Affected: yes. Observed: 1 variant allele.
Comment: SPEN: PM2, BP4